The following is an entry in ClinVar:

NM_017780.4(CHD7):c.1862dup (p.Gly622fs)

Genes: CHD7 (chromodomain helicase DNA binding protein 7; plus strand), LOC126860403 (CDK7 strongly-dependent group 2 enhancer GRCh37_chr8:61693034-61694233; plus strand). Cytogenetic location: 8q12.2.
Variant type: Duplication.
Coding change: c.1862dup on transcript NM_017780.4 (MANE Select); coding-DNA position 1862, one base duplicated (C; older notation c.1862dupC).
Protein change: p.Gly622fs; shifts the reading frame from glycine 622.
Molecular consequence: frameshift variant. On other transcripts: intron variant (1).
Genome position (GRCh38, 1-based): chr8:60,781,196, C duplicated; the last of 3 consecutive C bases (chr8:60,781,194-60,781,196); duplicating any one gives the same sequence. VCF-style (leftmost placement, unchanged base first): chr8-60781193-T-TC. GRCh37 (hg19) VCF-style: chr8-61693752-T-TC.
Other names: c.1716+146dup (NM_001316690.1); short protein forms G622fs.
Identifiers: ClinVar variation 3724970 (VCV003724970.2).

ClinVar aggregate classification (germline): Pathogenic (1 of 4 stars; one submission).

Conditions:
CHARGE syndrome (CHARGE). Also called: Hittner Hirsch Kreh syndrome; CHARGE ASSOCIATION--COLOBOMA, HEART ANOMALY, CHOANAL ATRESIA, RETARDATION, GENITAL AND EAR ANOMALIES; Coloboma, heart anomaly, choanal atresia, retardation, genital and ear anomalies; CHARGE association; Hall-Hittner syndrome. Identifiers: Orphanet 138, MedGen C0265354, MONDO:0008965.

Submission:

Labcorp Genetics (formerly Invitae), Labcorp
Classification: Pathogenic for CHARGE syndrome. Last evaluated: 2024-11-10. Review status: criteria provided, single submitter. Criteria: Invitae Variant Classification Sherloc (09022015). Collection method: clinical testing. Allele origin: germline.
Comment: This sequence change creates a premature translational stop signal (p.Gly622Trpfs*5) in the CHD7 gene. It is expected to result in an absent or disrupted protein product. Loss-of-function variants in CHD7 are known to be pathogenic (PMID: 22461308, 25077900). This variant is not present in population databases (gnomAD no frequency). This variant has not been reported in the literature in individuals affected with CHD7-related conditions. For these reasons, this variant has been classified as Pathogenic.

Literature cited by the submitters: PubMed 22461308; PubMed 25077900.